The following is an entry in ClinVar:

NM_001379500.1(COL18A1):c.914T>C (p.Val305Ala)

Gene: COL18A1 (collagen type XVIII alpha 1 chain; plus strand). Cytogenetic location: 21q22.3.
Variant type: single nucleotide variant.
Coding change: c.914T>C on transcript NM_001379500.1 (MANE Select); coding-DNA position 914, T replaced by C.
Protein change: p.Val305Ala; replaces valine 305 with alanine.
Molecular consequence: missense variant.
Genome position (GRCh38, 1-based): chr21:45,476,466, T>C. VCF-style: chr21-45476466-T-C. GRCh37 (hg19) VCF-style: chr21-46896380-T-C.
Other names: c.1454T>C, p.Val485Ala (NM_030582.4); c.2159T>C, p.Val720Ala (NM_130444.3); short protein forms V485A, V720A, V305A.
Identifiers: ClinVar variation 1924465 (VCV001924465.2), dbSNP rs773230529, ClinGen allele CA10065984.

ClinVar aggregate classification (germline): Uncertain significance (1 of 4 stars; one submission).

Allele frequency attached by ClinVar (database versions not stated): gnomAD exomes below 0.00001; TOPMed below 0.00001; ExAC 0.00001; gnomAD 0.00001.
gnomAD v4.1: 9 of 1,610,336 alleles (0.00056%); highest among the groups gnomAD compares: African/African-American, 0.0094%; no homozygotes.

Submission:

Labcorp Genetics (formerly Invitae), Labcorp
Classification: Uncertain significance. Last evaluated: 2022-08-23. Review status: criteria provided, single submitter. Criteria: Invitae Variant Classification Sherloc (09022015). Collection method: clinical testing. Allele origin: germline.
Comment: This sequence change replaces valine, which is neutral and non-polar, with alanine, which is neutral and non-polar, at codon 305 of the COL18A1 protein (p.Val305Ala). This variant is present in population databases (rs773230529, gnomAD no frequency). This variant has not been reported in the literature in individuals affected with COL18A1-related conditions. Experimental studies and prediction algorithms are not available or were not evaluated, and the functional significance of this variant is currently unknown. In summary, the available evidence is currently insufficient to determine the role of this variant in disease. Therefore, it has been classified as a Variant of Uncertain Significance.